The following is an entry in ClinVar:

ClinVar aggregate classification (germline): Uncertain significance (1 of 4 stars; one submission).

Conditions:
Hereditary cancer-predisposing syndrome. Also called: Hereditary neoplastic syndrome; Tumor predisposition; Hereditary Cancer Syndrome; Neoplastic Syndromes, Hereditary. Identifiers: Orphanet 140162, MedGen C0027672, MeSH D009386, MONDO:0015356.

Submission:

Ambry Genetics
Classification: Uncertain significance for Hereditary cancer-predisposing syndrome. Last evaluated: 2025-10-30. Review status: criteria provided, single submitter. Criteria: Ambry Variant Classification Scheme 2023. Collection method: clinical testing. Allele origin: germline.
Comment: The p.G972D variant (also known as c.2915G>A), located in coding exon 14 of the BLM gene, results from a G to A substitution at nucleotide position 2915. The glycine at codon 972 is replaced by aspartic acid, an amino acid with similar properties. This amino acid position is highly conserved in available vertebrate species. In addition, this alteration is predicted to be deleterious by in silico analysis. Since supporting evidence is limited at this time, the clinical significance of this alteration remains unclear.

NM_000057.4(BLM):c.2915G>A (p.Gly972Asp)

Gene: BLM (BLM RecQ like helicase; plus strand). Cytogenetic location: 15q26.1.
Variant type: single nucleotide variant.
Coding change: c.2915G>A on transcript NM_000057.4 (MANE Select); coding-DNA position 2915, G replaced by A.
Protein change: p.Gly972Asp; replaces glycine 972 with aspartic acid.
Molecular consequence: missense variant.
Genome position (GRCh38, 1-based): chr15:90,790,740, G>A. VCF-style: chr15-90790740-G-A. GRCh37 (hg19) VCF-style: chr15-91333970-G-A.
Other names: c.2915G>A, p.Gly972Asp (NM_001287246.2, NM_001287247.2); c.1790G>A, p.Gly597Asp (NM_001287248.2); short protein forms G597D, G972D.
Identifiers: ClinVar variation 2586892 (VCV002586892.3), dbSNP rs150475674, ClinGen allele CA393846407.